The following is an entry in ClinVar:

NM_001034853.2(RPGR):c.939C>T (p.Ile313=)

Gene: RPGR (retinitis pigmentosa GTPase regulator; minus strand). Cytogenetic location: Xp11.4.
Variant type: single nucleotide variant.
Coding change: c.939C>T on transcript NM_001034853.2 (MANE Select); coding-DNA position 939, C replaced by T.
Protein change: p.Ile313=; no amino-acid change (isoleucine 313 retained).
Molecular consequence: synonymous variant. On other transcripts: non-coding transcript variant (6).
Genome position (GRCh38, 1-based): chrX:38,301,367, G>A on the plus strand (C>T on the coding strand, the complement: RPGR is on the minus strand). VCF-style: chrX-38301367-G-A. GRCh37 (hg19) VCF-style: chrX-38160620-G-A.
Other names: c.939C>T, p.Ile313= (NM_000328.3, NM_001367246.1, NM_001367247.1 and 1 more transcripts); c.936C>T, p.Ile312= (NM_001367245.1, NM_001367249.1, NM_001367250.1); c.969C>T, p.Ile323= (NM_001367248.1).
Identifiers: ClinVar variation 1802288 (VCV001802288.9), dbSNP rs369916698, ClinGen allele CA10385568.

ClinVar aggregate classification (germline): Likely benign. Review status: criteria provided, single submitter (1 of 4 stars). 2 submissions from 2 submitters: Likely benign (1). 1 of the submissions does not count toward it. Last evaluated 2025-09-08.

Conditions:
RPGR-related disorder. Also called: RPGR-related condition.
Primary ciliary dyskinesia. Also called: Ciliary dyskinesia. Identifiers: Orphanet 244, MedGen C0008780, MONDO:0016575, HP:0012265.

Allele frequency attached by ClinVar (database versions not stated): TOPMed 0.00001; ExAC 0.00002; gnomAD exomes 0.00002; ESP Exome Variant Server 0.00009.
gnomAD v4.1: 23 of 1,203,290 alleles (0.0019%); highest among the groups gnomAD compares: Admixed American, 0.011%; no homozygotes.

Submissions (2):

Labcorp Genetics (formerly Invitae), Labcorp
Classification: Likely benign for Primary ciliary dyskinesia. Last evaluated: 2025-09-08. Review status: criteria provided, single submitter. Criteria: Invitae Variant Classification Sherloc (09022015). Collection method: clinical testing. Allele origin: germline.

PreventionGenetics, part of Exact Sciences
Classification: Likely benign for RPGR-related condition. Last evaluated: 2019-06-20. Review status: no assertion criteria provided. Collection method: clinical testing. Allele origin: germline. Not counted in ClinVar's aggregate classification.
Comment: This variant is classified as likely benign based on ACMG/AMP sequence variant interpretation guidelines (Richards et al. 2015 PMID: 25741868, with internal and published modifications).